The following is an entry in ClinVar:

NM_005559.4(LAMA1):c.8741T>A (p.Val2914Glu)

Gene: LAMA1 (laminin subunit alpha 1; minus strand). Cytogenetic location: 18p11.31.
Variant type: single nucleotide variant.
Coding change: c.8741T>A on transcript NM_005559.4 (MANE Select); coding-DNA position 8741, T replaced by A.
Protein change: p.Val2914Glu; replaces valine 2914 with glutamic acid.
Molecular consequence: missense variant.
Genome position (GRCh38, 1-based): chr18:6,947,266, A>T on the plus strand (T>A on the coding strand, the complement: LAMA1 is on the minus strand). VCF-style: chr18-6947266-A-T. GRCh37 (hg19) VCF-style: chr18-6947265-A-T.
Other names: c.8741T>A (NM_005559.3); short protein forms V2914E.
Identifiers: ClinVar variation 1353343 (VCV001353343.9), dbSNP rs2143967303, ClinGen allele CA401835064.

ClinVar aggregate classification (germline): Uncertain significance. Review status: criteria provided, multiple submitters, no conflicts (2 of 4 stars). 2 submissions from 2 submitters: Uncertain significance (2). Last evaluated 2025-08-30.

Conditions:
Inborn genetic diseases. Identifiers: MedGen C0950123, MeSH D030342.

gnomAD v4.1: 1 of 1,614,014 alleles (0.000062%); highest among the groups gnomAD compares: Non-Finnish European, 0.000085%; no homozygotes.

Submissions (2):

Ambry Genetics
Classification: Uncertain significance for Inborn genetic diseases. Last evaluated: 2025-08-30. Review status: criteria provided, single submitter. Criteria: Ambry Variant Classification Scheme 2023. Collection method: clinical testing. Allele origin: germline.

Labcorp Genetics (formerly Invitae), Labcorp
Classification: Uncertain significance. Last evaluated: 2022-11-08. Review status: criteria provided, single submitter. Criteria: Invitae Variant Classification Sherloc (09022015). Collection method: clinical testing. Allele origin: germline.
Comment: This sequence change replaces valine, which is neutral and non-polar, with glutamic acid, which is acidic and polar, at codon 2914 of the LAMA1 protein (p.Val2914Glu). This variant has not been reported in the literature in individuals affected with LAMA1-related conditions. In summary, the available evidence is currently insufficient to determine the role of this variant in disease. Therefore, it has been classified as a Variant of Uncertain Significance. Advanced modeling of protein sequence and biophysical properties (such as structural, functional, and spatial information, amino acid conservation, physicochemical variation, residue mobility, and thermodynamic stability) performed at Invitae indicates that this missense variant is expected to disrupt LAMA1 protein function. ClinVar contains an entry for this variant (Variation ID: 1353343). This variant is not present in population databases (gnomAD no frequency).